The following is an entry in ClinVar:

NM_000057.4(BLM):c.88C>T (p.Pro30Ser)

Gene: BLM (BLM RecQ like helicase; plus strand). Cytogenetic location: 15q26.1.
Variant type: single nucleotide variant.
Coding change: c.88C>T on transcript NM_000057.4 (MANE Select); coding-DNA position 88, C replaced by T.
Protein change: p.Pro30Ser; replaces proline 30 with serine.
Molecular consequence: missense variant. On other transcripts: 5 prime UTR variant (1).
Genome position (GRCh38, 1-based): chr15:90,747,480, C>T. VCF-style: chr15-90747480-C-T. GRCh37 (hg19) VCF-style: chr15-91290710-C-T.
Other names: c.88C>T, p.Pro30Ser (NM_001287246.2, NM_001287247.2); c.-1204C>T (NM_001287248.2); short protein forms P30S.
Identifiers: ClinVar variation 4843391 (VCV004843391.1).

ClinVar aggregate classification (germline): Uncertain significance (1 of 4 stars; one submission).

Conditions:
Hereditary cancer-predisposing syndrome. Also called: Neoplastic Syndromes, Hereditary; Tumor predisposition; Hereditary Cancer Syndrome; Hereditary neoplastic syndrome. Identifiers: Orphanet 140162, MedGen C0027672, MeSH D009386, MONDO:0015356.

Submission:

Ambry Genetics
Classification: Uncertain significance for Hereditary cancer-predisposing syndrome. Last evaluated: 2025-12-21. Review status: criteria provided, single submitter. Criteria: Ambry Variant Classification Scheme 2023. Collection method: clinical testing. Allele origin: germline.
Comment: The p.P30S variant (also known as c.88C>T), located in coding exon 1 of the BLM gene, results from a C to T substitution at nucleotide position 88. The proline at codon 30 is replaced by serine, an amino acid with similar properties. This amino acid position is conserved. In addition, this alteration is predicted to be tolerated by in silico analysis. Based on the available evidence, the clinical significance of this variant remains unclear.